The following is an entry in ClinVar:

NM_033305.3(VPS13A):c.5368G>T (p.Glu1790Ter)

Gene: VPS13A (vacuolar protein sorting 13 homolog A; plus strand). Cytogenetic location: 9q21.2.
Variant type: single nucleotide variant.
Coding change: c.5368G>T on transcript NM_033305.3 (MANE Select); coding-DNA position 5368, G replaced by T.
Protein change: p.Glu1790Ter; replaces glutamic acid 1790 with a stop codon.
Molecular consequence: nonsense.
Genome position (GRCh38, 1-based): chr9:77,319,626, G>T. VCF-style: chr9-77319626-G-T. GRCh37 (hg19) VCF-style: chr9-79934542-G-T.
Other names: c.5251G>T, p.Glu1751Ter (NM_001018037.2); c.5368G>T, p.Glu1790Ter (NM_001018038.3, NM_015186.4); short protein forms E1751*, E1790*.
Identifiers: ClinVar variation 4816406 (VCV004816406.2).

ClinVar aggregate classification (germline): Pathogenic/Likely pathogenic. Review status: criteria provided, multiple submitters, no conflicts (2 of 4 stars). 2 submissions from 2 submitters: Pathogenic (1); Likely pathogenic (1). Last evaluated 2024-08-03.

Conditions:
VPS13A-related neurodegenerative disease. Also called: ACANTHOCYTOSIS WITH NEUROLOGIC DISORDER; LEVINE-CRITCHLEY SYNDROME; Choreoacanthocytosis; Chorea-acanthocytosis; VPS13A Disease; Choreaacanthocytosis. Identifiers: Orphanet 2388, MedGen C0393576, MONDO:0008695, OMIM 200150.

Submissions (2):

Myriad Genetics, Inc.
Classification: Pathogenic for VPS13A-related neurodegenerative disease. Last evaluated: 2024-08-03. Review status: criteria provided, single submitter. Criteria: Myriad Autosomal Dominant, Autosomal Recessive and X-Linked Classification Criteria (2023). Collection method: clinical testing. Allele origin: unknown.
Comment: NM_033305.2(VPS13A):c.5368G>T(E1790*) is expected to be pathogenic in the context of VPS13A disease. This variant is predicted to lead to an abnormal or absent protein product due to the creation of a premature termination codon in VPS13A, a gene where loss-of-function variants are known to be pathogenic. Please note: this variant was assessed in the context of healthy population screening.

Natera, Inc.
Classification: Likely pathogenic for Choreaacanthocytosis. Last evaluated: 2024-05-29. Review status: criteria provided, single submitter. Criteria: Natera Variant Classification Schema (03/2026). Collection method: clinical testing. Allele origin: germline.
Comment: The c.5368G>T variant in VPS13A is a nonsense variant predicted to introduce a stop codon at amino acid 1790. This variant is expected to result in nonsense mediated decay, truncation, or a dysfunctional protein product. This variant is rare in the general population with a frequency below the threshold expected for the associated phenotype(s). Given the available evidence, this variant is classified as Likely Pathogenic.